The following is an entry in ClinVar:

ClinVar aggregate classification (germline): Benign (1 of 4 stars; one submission).

gnomAD v4.1: 314 of 1,072,046 alleles (0.029%); highest among the groups gnomAD compares: South Asian, 0.33%; 94 homozygotes.

Submission:

CeGaT Center for Human Genetics Tuebingen
Classification: Benign. Last evaluated: 2024-07-01. Review status: criteria provided, single submitter. Criteria: CeGaT Center For Human Genetics Tuebingen Variant Classification Criteria Version 2. Collection method: clinical testing. Allele origin: germline. Affected: yes. Observed: 1 variant allele.
Comment: AHNAK2: BP4, BS1, BS2

NM_138420.4(AHNAK2):c.4276C>A (p.Leu1426Ile)

Gene: AHNAK2 (AHNAK nucleoprotein 2; minus strand). Cytogenetic location: 14q32.33.
Variant type: single nucleotide variant.
Coding change: c.4276C>A on transcript NM_138420.4 (MANE Select); coding-DNA position 4276, C replaced by A.
Protein change: p.Leu1426Ile; replaces leucine 1426 with isoleucine.
Molecular consequence: missense variant.
Genome position (GRCh38, 1-based): chr14:104,951,175, G>T on the plus strand (C>A on the coding strand, the complement: AHNAK2 is on the minus strand). VCF-style: chr14-104951175-G-T. GRCh37 (hg19) VCF-style: chr14-105417512-G-T.
Other names: c.3976C>A, p.Leu1326Ile (NM_001350929.2); short protein forms L1326I, L1426I.
Identifiers: ClinVar variation 3256966 (VCV003256966.17).